The following is an entry in ClinVar:

NM_001035.3(RYR2):c.3067-287A>G

Gene: RYR2 (ryanodine receptor 2; plus strand). Cytogenetic location: 1q43.
Variant type: single nucleotide variant.
Coding change: c.3067-287A>G on transcript NM_001035.3 (MANE Select); 287 bases into the intron before coding-DNA position 3067, A replaced by G.
Molecular consequence: intron variant.
Genome position (GRCh38, 1-based): chr1:237,550,257, A>G. VCF-style: chr1-237550257-A-G. GRCh37 (hg19) VCF-style: chr1-237713557-A-G.
Identifiers: ClinVar variation 669902 (VCV000669902.1), dbSNP rs111903308, ClinGen allele CA39811468.

ClinVar aggregate classification (germline): Likely benign (1 of 4 stars; one submission).

Allele frequency attached by ClinVar (database versions not stated): 1000 Genomes Project 0.00639; 1000 Genomes Project 30x 0.00671; TOPMed 0.01315; gnomAD 0.01435 and 0.01443.
gnomAD v4.1: 2,189 of 152,312 alleles (1.4%); highest among the groups gnomAD compares: Non-Finnish European, 2.3%; 18 homozygotes.

Submission:

GeneDx
Classification: Likely benign. Last evaluated: 2018-06-16. Review status: criteria provided, single submitter. Criteria: GeneDx Variant Classification (06012015). Collection method: clinical testing. Allele origin: germline. Affected: yes.
Comment: This variant is considered likely benign or benign based on one or more of the following criteria: it is a conservative change, it occurs at a poorly conserved position in the protein, it is predicted to be benign by multiple in silico algorithms, and/or has population frequency not consistent with disease.